The following is an entry in ClinVar:

NM_001322934.2(NFKB2):c.2231C>A (p.Thr744Asn)

Gene: NFKB2 (nuclear factor kappa B subunit 2; plus strand). Cytogenetic location: 10q24.32.
Variant type: single nucleotide variant.
Coding change: c.2231C>A on transcript NM_001322934.2 (MANE Select); coding-DNA position 2231, C replaced by A.
Protein change: p.Thr744Asn; replaces threonine 744 with asparagine.
Molecular consequence: missense variant.
Genome position (GRCh38, 1-based): chr10:102,401,456, C>A. VCF-style: chr10-102401456-C-A. GRCh37 (hg19) VCF-style: chr10-104161213-C-A.
Other names: c.2231C>A, p.Thr744Asn (NM_002502.6, NM_001077494.3, NM_001261403.3 and 1 more transcripts); c.2105C>A, p.Thr702Asn (NM_001322935.1); short protein forms T702N, T744N.
Identifiers: ClinVar variation 3675852 (VCV003675852.2).

ClinVar aggregate classification (germline): Uncertain significance (1 of 4 stars; one submission).

Conditions:
Immunodeficiency, common variable, 10. Also called: DEFICIT IN ANTERIOR PITUITARY FUNCTION AND VARIABLE IMMUNODEFICIENCY; IMMUNODEFICIENCY, COMMON VARIABLE, WITH CENTRAL ADRENAL INSUFFICIENCY. Identifiers: MedGen C3809991, MONDO:0014260, OMIM 615577.

gnomAD v4.1: 31 of 1,613,856 alleles (0.0019%); highest among the groups gnomAD compares: Non-Finnish European, 0.0025%; no homozygotes.

Submission:

Labcorp Genetics (formerly Invitae), Labcorp
Classification: Uncertain significance for Immunodeficiency, common variable, 10. Last evaluated: 2025-12-23. Review status: criteria provided, single submitter. Criteria: Invitae Variant Classification Sherloc (09022015). Collection method: clinical testing. Allele origin: germline.
Comment: This sequence change replaces threonine, which is neutral and polar, with asparagine, which is neutral and polar, at codon 744 of the NFKB2 protein (p.Thr744Asn). The frequency data for this variant in the population databases is considered unreliable, as metrics indicate poor data quality at this position in the gnomAD database. This variant has not been reported in the literature in individuals affected with NFKB2-related conditions. ClinVar contains an entry for this variant (Variation ID: 3675852). An algorithm developed to predict the effect of missense changes on protein structure and function (PolyPhen-2) suggests that this variant is likely to be tolerated. In summary, the available evidence is currently insufficient to determine the role of this variant in disease. Therefore, it has been classified as a Variant of Uncertain Significance.